The following is an entry in ClinVar:

ClinVar aggregate classification (germline): Uncertain significance. Review status: criteria provided, multiple submitters, no conflicts (2 of 4 stars). 3 submissions from 3 submitters: Uncertain significance (3). Last evaluated 2025-05-19.

Conditions:
Inborn genetic diseases. Identifiers: MedGen C0950123, MeSH D030342.
Periventricular heterotopia with microcephaly, autosomal recessive (ARPHM). Also called: Periventricular heterotopia with microcephaly; PERIVENTRICULAR NODULAR HETEROTOPIA 2. Identifiers: Orphanet 2149, MedGen C1842563, MONDO:0011966, OMIM 608097.

Allele frequency attached by ClinVar (database versions not stated): ExAC 0.00003; gnomAD exomes 0.00003 and 0.00004; TOPMed 0.00003.
gnomAD v4.1: 54 of 1,614,150 alleles (0.0033%); highest among the groups gnomAD compares: Non-Finnish European, 0.0039%; no homozygotes.

Submissions (3):

Ambry Genetics
Classification: Uncertain significance for Inborn genetic diseases. Last evaluated: 2025-05-19. Review status: criteria provided, single submitter. Criteria: Ambry Variant Classification Scheme 2023. Collection method: clinical testing. Allele origin: germline.

Labcorp Genetics (formerly Invitae), Labcorp
Classification: Uncertain significance. Last evaluated: 2024-12-09. Review status: criteria provided, single submitter. Criteria: Invitae Variant Classification Sherloc (09022015). Collection method: clinical testing. Allele origin: germline.
Comment: This sequence change replaces isoleucine, which is neutral and non-polar, with valine, which is neutral and non-polar, at codon 1240 of the ARFGEF2 protein (p.Ile1240Val). This variant is present in population databases (rs762641248, gnomAD 0.006%). This variant has not been reported in the literature in individuals affected with ARFGEF2-related conditions. ClinVar contains an entry for this variant (Variation ID: 1033104). An algorithm developed to predict the effect of missense changes on protein structure and function (PolyPhen-2) suggests that this variant is likely to be tolerated. In summary, the available evidence is currently insufficient to determine the role of this variant in disease. Therefore, it has been classified as a Variant of Uncertain Significance.

Baylor Genetics
Classification: Uncertain significance for Periventricular heterotopia with microcephaly, autosomal recessive. Last evaluated: 2018-09-21. Review status: criteria provided, single submitter. Criteria: ACMG Guidelines, 2015. Collection method: clinical testing. Allele origin: unknown. Affected: yes.
Comment: This variant was determined to be of uncertain significance according to ACMG Guidelines, 2015 [PMID:25741868].

NM_006420.3(ARFGEF2):c.3718A>G (p.Ile1240Val)

Gene: ARFGEF2 (ARF guanine nucleotide exchange factor 2; plus strand). Cytogenetic location: 20q13.13.
Variant type: single nucleotide variant.
Coding change: c.3718A>G on transcript NM_006420.3 (MANE Select); coding-DNA position 3718, A replaced by G.
Protein change: p.Ile1240Val; replaces isoleucine 1240 with valine.
Molecular consequence: missense variant.
Genome position (GRCh38, 1-based): chr20:49,010,365, A>G. VCF-style: chr20-49010365-A-G. GRCh37 (hg19) VCF-style: chr20-47626902-A-G.
Other names: short protein forms I1240V.
Identifiers: ClinVar variation 1033104 (VCV001033104.6), dbSNP rs762641248, ClinGen allele CA9899014.
Genomic context (GRCh38, chr20:49,010,365, plus strand): 5'-TCAGGTTGGAAGAACATCTTTGCCGTGTTCCACCAGGCAGCCTCTGATCATGATGGGAAC[A>G]TTGTGGAGCTGGCCTTCCAGACCACTTGCCACATTGTCAGTAAGTGGCTCTGTTCCCTCC-3'
Protein context (NP_006411.2, residues 1230-1250): HQAASDHDGN[Ile1240Val]VELAFQTTCH